The following is an entry in ClinVar:

NM_015272.5(RPGRIP1L):c.467G>T (p.Arg156Leu)

Gene: RPGRIP1L (RPGRIP1 like; minus strand). Cytogenetic location: 16q12.2.
Variant type: single nucleotide variant.
Coding change: c.467G>T on transcript NM_015272.5 (MANE Select); coding-DNA position 467, G replaced by T.
Protein change: p.Arg156Leu; replaces arginine 156 with leucine.
Molecular consequence: missense variant.
Genome position (GRCh38, 1-based): chr16:53,692,128, C>A on the plus strand (G>T on the coding strand, the complement: RPGRIP1L is on the minus strand). VCF-style: chr16-53692128-C-A. GRCh37 (hg19) VCF-style: chr16-53726040-C-A.
Other names: c.467G>T, p.Arg156Leu (NM_001127897.4, NM_001308334.3, NM_001330538.2); short protein forms R156L.
Identifiers: ClinVar variation 2045674 (VCV002045674.4), dbSNP rs368033553, ClinGen allele CA395924742.

ClinVar aggregate classification (germline): Uncertain significance (1 of 4 stars; one submission).

Conditions:
Joubert syndrome. Also called: CEREBELLOPARENCHYMAL DISORDER IV; JOUBERT-BOLTSHAUSER SYNDROME; Familial aplasia of the vermis. Identifiers: Orphanet 475, MedGen C5979921, MONDO:0018772.
Meckel-Gruber syndrome. Also called: DYSENCEPHALIA SPLANCHNOCYSTICA; GRUBER SYNDROME; Dysencephalia splachnocystica. Identifiers: Orphanet 564, MedGen C0265215, MONDO:0018921.

Submission:

Labcorp Genetics (formerly Invitae), Labcorp
Classification: Uncertain significance for Joubert syndrome; Meckel-Gruber syndrome. Last evaluated: 2025-07-28. Review status: criteria provided, single submitter. Criteria: Invitae Variant Classification Sherloc (09022015). Collection method: clinical testing. Allele origin: germline.
Comment: This sequence change replaces arginine, which is basic and polar, with leucine, which is neutral and non-polar, at codon 156 of the RPGRIP1L protein (p.Arg156Leu). This variant is not present in population databases (gnomAD no frequency). This variant has not been reported in the literature in individuals affected with RPGRIP1L-related conditions. ClinVar contains an entry for this variant (Variation ID: 2045674). Invitae Evidence Modeling of protein sequence and biophysical properties (such as structural, functional, and spatial information, amino acid conservation, physicochemical variation, residue mobility, and thermodynamic stability) indicates that this missense variant is not expected to disrupt RPGRIP1L protein function with a negative predictive value of 80%. In summary, the available evidence is currently insufficient to determine the role of this variant in disease. Therefore, it has been classified as a Variant of Uncertain Significance.